The following is an entry in ClinVar:

ClinVar aggregate classification (germline): Conflicting classifications of pathogenicity. Review status: criteria provided, conflicting classifications (1 of 4 stars). 6 submissions from 6 submitters: Uncertain significance (1); Benign (1); Likely benign (4). Last evaluated 2025-10-01.

Conditions:
Lynch syndrome 5 (LYNCH5). Also called: Colorectal cancer, hereditary nonpolyposis, type 5; Hereditary non-polyposis colorectal cancer, type 5. Identifiers: Orphanet 144, MedGen C1833477, MONDO:0013710, OMIM 614350. Disease mechanism: loss of function.
Hereditary nonpolyposis colorectal neoplasms. Identifiers: MedGen C0009405, MeSH D003123.
Hereditary cancer-predisposing syndrome. Also called: Neoplastic Syndromes, Hereditary; Tumor predisposition; Hereditary Cancer Syndrome; Hereditary neoplastic syndrome. Identifiers: Orphanet 140162, MedGen C0027672, MeSH D009386, MONDO:0015356.

Allele frequency attached by ClinVar (database versions not stated): gnomAD exomes below 0.00001.
gnomAD v4.1: 1 of 1,614,194 alleles (0.000062%); highest among the groups gnomAD compares: East Asian, 0.0022%; no homozygotes.

Submissions (6):

Labcorp Genetics (formerly Invitae), Labcorp
Classification: Likely benign for Hereditary nonpolyposis colorectal neoplasms. Last evaluated: 2025-10-01. Review status: criteria provided, single submitter. Criteria: Invitae Variant Classification Sherloc (09022015). Collection method: clinical testing. Allele origin: germline.

Myriad Genetics, Inc.
Classification: Benign for Lynch syndrome 5. Last evaluated: 2025-01-02. Review status: criteria provided, single submitter. Criteria: Myriad Autosomal Dominant, Autosomal Recessive and X-Linked Classification Criteria (2023). Collection method: clinical testing. Allele origin: unknown.
Comment: This variant is considered benign. This variant is a silent/synonymous amino acid change and it is not expected to impact splicing.

Quest Diagnostics Nichols Institute San Juan Capistrano
Classification: Uncertain significance. Last evaluated: 2023-07-27. Review status: criteria provided, single submitter. Criteria: Quest Diagnostics criteria. Collection method: clinical testing. Allele origin: unknown.
Comment: To the best of our knowledge, this variant has not been reported in the published literature. It also has not been reported in large, multi-ethnic general populations (Genome Aggregation Database). Analysis of this variant using software algorithms for the prediction of the effect of nucleotide changes on splicing yielded predictions that this variant does not affect MSH6 mRNA splicing . Based on the available information, we are unable to determine the clinical significance of this variant.

Color Diagnostics, LLC DBA Color Health
Classification: Likely benign for Hereditary cancer-predisposing syndrome. Last evaluated: 2017-03-03. Review status: criteria provided, single submitter. Criteria: ACMG Guidelines, 2015. Collection method: clinical testing. Allele origin: germline.

GeneDx
Classification: Likely benign. Last evaluated: 2016-04-12. Review status: criteria provided, single submitter. Criteria: GeneDx Variant Classification (06012015). Collection method: clinical testing. Allele origin: germline. Affected: yes.
Comment: This variant is considered likely benign or benign based on one or more of the following criteria: it is a conservative change, it occurs at a poorly conserved position in the protein, it is predicted to be benign by multiple in silico algorithms, and/or has population frequency not consistent with disease.

Ambry Genetics
Classification: Likely benign for Hereditary cancer-predisposing syndrome. Last evaluated: 2015-04-27. Review status: criteria provided, single submitter. Criteria: Ambry Variant Classification Scheme 2023. Collection method: clinical testing. Allele origin: germline.

NM_000179.3(MSH6):c.2688A>G (p.Lys896=)

Gene: MSH6 (mutS homolog 6; plus strand). Cytogenetic location: 2p16.3.
Variant type: single nucleotide variant.
Coding change: c.2688A>G on transcript NM_000179.3 (MANE Select); coding-DNA position 2688, A replaced by G.
Protein change: p.Lys896=; no amino-acid change (lysine 896 retained).
Molecular consequence: synonymous variant.
Genome position (GRCh38, 1-based): chr2:47,800,671, A>G. VCF-style: chr2-47800671-A-G. GRCh37 (hg19) VCF-style: chr2-48027810-A-G.
Other names: c.2298A>G, p.Lys766= (NM_001281492.2); c.1782A>G, p.Lys594= (NM_001281493.2, NM_001281494.2).
Identifiers: ClinVar variation 231461 (VCV000231461.19), dbSNP rs876659173, ClinGen allele CA10578114.
Genomic context (GRCh38, chr2:47,800,671, plus strand): 5'-AGAAGTTGCTGATGGTTTTAAGTCTAAAATCCTTAAGCAGGTCATCTCTCTGCAGACAAA[A>G]AATCCTGAAGGTCGTTTTCCTGATTTGACTGTAGAATTGAACCGATGGGATACAGCCTTT-3'
Protein context (NP_000170.1, residues 886-906): ILKQVISLQT[Lys896=]NPEGRFPDLT